The following is an entry in ClinVar:

ClinVar aggregate classification (germline): Uncertain significance (1 of 4 stars; one submission).

Conditions:
Fibrous dysplasia of jaw (CRBM). Also called: Cherubism. Identifiers: Orphanet 184, MedGen C0008029, MONDO:0007315, OMIM 118400.

gnomAD v4.1: 1 of 1,612,130 alleles (0.000062%); highest among the groups gnomAD compares: Non-Finnish European, 0.000085%; no homozygotes.

Submission:

Labcorp Genetics (formerly Invitae), Labcorp
Classification: Uncertain significance for Fibrous dysplasia of jaw. Last evaluated: 2023-06-10. Review status: criteria provided, single submitter. Criteria: Invitae Variant Classification Sherloc (09022015). Collection method: clinical testing. Allele origin: germline.
Comment: This sequence change replaces aspartic acid, which is acidic and polar, with glutamic acid, which is acidic and polar, at codon 279 of the SH3BP2 protein (p.Asp279Glu). This variant is not present in population databases (gnomAD no frequency). This variant has not been reported in the literature in individuals affected with SH3BP2-related conditions. Advanced modeling of protein sequence and biophysical properties (such as structural, functional, and spatial information, amino acid conservation, physicochemical variation, residue mobility, and thermodynamic stability) performed at Invitae indicates that this missense variant is not expected to disrupt SH3BP2 protein function. In summary, the available evidence is currently insufficient to determine the role of this variant in disease. Therefore, it has been classified as a Variant of Uncertain Significance.

NM_001122681.2(SH3BP2):c.837T>A (p.Asp279Glu)

Gene: SH3BP2 (SH3 domain binding protein 2; plus strand). Cytogenetic location: 4p16.3.
Variant type: single nucleotide variant.
Coding change: c.837T>A on transcript NM_001122681.2 (MANE Select); coding-DNA position 837, T replaced by A.
Protein change: p.Asp279Glu; replaces aspartic acid 279 with glutamic acid.
Molecular consequence: missense variant.
Genome position (GRCh38, 1-based): chr4:2,829,743, T>A. VCF-style: chr4-2829743-T-A. GRCh37 (hg19) VCF-style: chr4-2831470-T-A.
Other names: c.921T>A, p.Asp307Glu (NM_001145855.2); c.1008T>A, p.Asp336Glu (NM_001145856.2); c.837T>A, p.Asp279Glu (NM_003023.4); short protein forms D279E, D336E, D307E.
Identifiers: ClinVar variation 2716044 (VCV002716044.3), dbSNP rs1724872758, ClinGen allele CA356056226.